The following is an entry in ClinVar:

ClinVar aggregate classification (germline): Uncertain significance. Review status: criteria provided, multiple submitters, no conflicts (2 of 4 stars). 2 submissions from 2 submitters: Uncertain significance (2). Last evaluated 2025-05-13.

Conditions:
Inborn genetic diseases. Identifiers: MedGen C0950123, MeSH D030342.
Vici syndrome (VICIS). Identifiers: Orphanet 1493, MedGen C1855772, MONDO:0009452, OMIM 242840.

gnomAD v4.1: 1 of 1,603,678 alleles (0.000062%); highest among the groups gnomAD compares: Non-Finnish European, 0.000085%; no homozygotes.

Submissions (2):

Labcorp Genetics (formerly Invitae), Labcorp
Classification: Uncertain significance for Vici syndrome. Last evaluated: 2025-05-13. Review status: criteria provided, single submitter. Criteria: Invitae Variant Classification Sherloc (09022015). Collection method: clinical testing. Allele origin: germline.
Comment: This sequence change replaces isoleucine, which is neutral and non-polar, with methionine, which is neutral and non-polar, at codon 1282 of the EPG5 protein (p.Ile1282Met). This variant is not present in population databases (gnomAD no frequency). This variant has not been reported in the literature in individuals affected with EPG5-related conditions. ClinVar contains an entry for this variant (Variation ID: 3089485). Invitae Evidence Modeling of protein sequence and biophysical properties (such as structural, functional, and spatial information, amino acid conservation, physicochemical variation, residue mobility, and thermodynamic stability) indicates that this missense variant is expected to disrupt EPG5 protein function with a positive predictive value of 80%. In summary, the available evidence is currently insufficient to determine the role of this variant in disease. Therefore, it has been classified as a Variant of Uncertain Significance.

Ambry Genetics
Classification: Uncertain significance for Inborn genetic diseases. Last evaluated: 2024-01-08. Review status: criteria provided, single submitter. Criteria: Ambry Variant Classification Scheme 2023. Collection method: clinical testing. Allele origin: germline.

NM_020964.3(EPG5):c.3846C>G (p.Ile1282Met)

Gene: EPG5 (ectopic P-granules 5 autophagy tethering factor; minus strand). Cytogenetic location: 18q21.1.
Variant type: single nucleotide variant.
Coding change: c.3846C>G on transcript NM_020964.3 (MANE Select); coding-DNA position 3846, C replaced by G.
Protein change: p.Ile1282Met; replaces isoleucine 1282 with methionine.
Molecular consequence: missense variant.
Genome position (GRCh38, 1-based): chr18:45,912,427, G>C on the plus strand (C>G on the coding strand, the complement: EPG5 is on the minus strand). VCF-style: chr18-45912427-G-C. GRCh37 (hg19) VCF-style: chr18-43492392-G-C.
Other names: c.3846C>G, p.Ile1282Met (NM_001410858.1, NM_001410859.1); short protein forms I1282M.
Identifiers: ClinVar variation 3089485 (VCV003089485.2), dbSNP rs200540278, ClinGen allele CA402341019.
Genomic context (GRCh38, chr18:45,912,427, plus strand): 5'-AGGTGTGACCAGAGCCTGGTGGGCCCAGCGATAAATCAGCAGCCTCTGGAGGGATGGCAC[G>C]ATGGGGAGCTTCAGCTGGGTCTGGGCTTTCTACAAAAAAGAAAGGGCTTTGAGTAGCCAC-3'
Protein context (NP_066015.2, residues 1272-1292): KKAQTQLKLP[Ile1282Met]VPSLQRLLIY